The following is an entry in ClinVar:

ClinVar aggregate classification (germline): Uncertain significance. Review status: criteria provided, multiple submitters, no conflicts (2 of 4 stars). 2 submissions from 2 submitters: Uncertain significance (2). Last evaluated 2026-04-07.

Conditions:
PLXNA3-related disorder. Also called: PLXNA3-related condition.

Allele frequency attached by ClinVar (database versions not stated): ExAC 0.00006; gnomAD 0.00007; TOPMed 0.00007; ESP Exome Variant Server 0.00009; 1000 Genomes Project 0.00026; 1000 Genomes Project 30x 0.00042.
gnomAD v4.1: 129 of 1,141,755 alleles (0.011%); highest among the groups gnomAD compares: Middle Eastern, 0.025%; no homozygotes.

Submissions (2):

PreventionGenetics, part of Exact Sciences
Classification: Uncertain significance for PLXNA3-related condition. Last evaluated: 2026-04-07. Review status: criteria provided, single submitter. Criteria: ACMG Guidelines, 2015. Collection method: clinical testing. Allele origin: germline.
Comment: The PLXNA3 c.524C>T variant is predicted to result in the amino acid substitution p.Ser175Leu. To our knowledge, this variant has not been reported in the literature. This variant is reported in 0.016% of alleles in individuals of East Asian descent in gnomAD. Although we suspect that this variant may be benign, at this time, the clinical significance of this variant is uncertain due to the absence of conclusive functional and genetic evidence.

Ambry Genetics
Classification: Uncertain significance. Last evaluated: 2022-08-11. Review status: criteria provided, single submitter. Criteria: Ambry Variant Classification Scheme 2023. Collection method: clinical testing. Allele origin: germline.

NM_017514.5(PLXNA3):c.524C>T (p.Ser175Leu)

Gene: PLXNA3 (plexin A3; plus strand). Cytogenetic location: Xq28.
Variant type: single nucleotide variant.
Coding change: c.524C>T on transcript NM_017514.5 (MANE Select); coding-DNA position 524, C replaced by T.
Protein change: p.Ser175Leu; replaces serine 175 with leucine.
Molecular consequence: missense variant.
Genome position (GRCh38, 1-based): chrX:154,460,707, C>T. VCF-style: chrX-154460707-C-T. GRCh37 (hg19) VCF-style: chrX-153689047-C-T.
Other names: short protein forms S175L.
Identifiers: ClinVar variation 2354726 (VCV002354726.4), dbSNP rs138319096, ClinGen allele CA10563712.